The following is an entry in ClinVar:

NM_001252024.2(TRPM1):c.2316+4C>A

Gene: TRPM1 (transient receptor potential cation channel subfamily M member 1; minus strand). Cytogenetic location: 15q13.3.
Variant type: single nucleotide variant.
Coding change: c.2316+4C>A on transcript NM_001252024.2 (MANE Select); 4 bases into the intron after coding-DNA position 2316, C replaced by A.
Molecular consequence: intron variant.
Genome position (GRCh38, 1-based): chr15:31,040,114, G>T on the plus strand (C>A on the coding strand, the complement: TRPM1 is on the minus strand). VCF-style: chr15-31040114-G-T. GRCh37 (hg19) VCF-style: chr15-31332317-G-T.
Other names: c.2367+4C>A (NM_001252020.2); c.2250+4C>A (NM_002420.6).
Identifiers: ClinVar variation 1488794 (VCV001488794.3), dbSNP rs530699329, ClinGen allele CA7452263.

ClinVar aggregate classification (germline): Uncertain significance (1 of 4 stars; one submission).

gnomAD v4.1: 5 of 1,613,892 alleles (0.00031%); highest among the groups gnomAD compares: Non-Finnish European, 0.00042%; no homozygotes.

Submission:

Labcorp Genetics (formerly Invitae), Labcorp
Classification: Uncertain significance. Last evaluated: 2021-11-13. Review status: criteria provided, single submitter. Criteria: Invitae Variant Classification Sherloc (09022015). Collection method: clinical testing. Allele origin: germline.
Comment: This sequence change falls in intron 17 of the TRPM1 gene. It does not directly change the encoded amino acid sequence of the TRPM1 protein. It affects a nucleotide within the consensus splice site. This variant is present in population databases (rs530699329, gnomAD 0.0009%). This variant has not been reported in the literature in individuals affected with TRPM1-related conditions. Variants that disrupt the consensus splice site are a relatively common cause of aberrant splicing (PMID: 17576681, 9536098). Algorithms developed to predict the effect of sequence changes on RNA splicing suggest that this variant is not likely to affect RNA splicing. In summary, the available evidence is currently insufficient to determine the role of this variant in disease. Therefore, it has been classified as a Variant of Uncertain Significance.

Literature cited by the submitters: PubMed 17576681; PubMed 9536098.